The following is an entry in ClinVar:

ClinVar aggregate classification (germline): Uncertain significance (1 of 4 stars; one submission).

Submission:

Labcorp Genetics (formerly Invitae), Labcorp
Classification: Uncertain significance. Last evaluated: 2021-11-27. Review status: criteria provided, single submitter. Criteria: Invitae Variant Classification Sherloc (09022015). Collection method: clinical testing. Allele origin: germline.
Comment: This sequence change replaces threonine, which is neutral and polar, with isoleucine, which is neutral and non-polar, at codon 417 of the SLC46A1 protein (p.Thr417Ile). This variant is not present in population databases (gnomAD no frequency). This variant has not been reported in the literature in individuals affected with SLC46A1-related conditions. Experimental studies and prediction algorithms are not available or were not evaluated, and the functional significance of this variant is currently unknown. In summary, the available evidence is currently insufficient to determine the role of this variant in disease. Therefore, it has been classified as a Variant of Uncertain Significance.

NM_080669.6(SLC46A1):c.1250C>T (p.Thr417Ile)

Genes: SARM1 (sterile alpha and TIR motif containing 1; plus strand), SLC46A1 (solute carrier family 46 member 1; minus strand). Cytogenetic location: 17q11.2.
Variant type: single nucleotide variant.
Coding change: c.1250C>T on transcript NM_080669.6 (MANE Select); coding-DNA position 1250, C replaced by T.
Protein change: p.Thr417Ile; replaces threonine 417 with isoleucine.
Molecular consequence: missense variant. On other transcripts: 3 prime UTR variant (1).
Genome position (GRCh38, 1-based): chr17:28,400,682, G>A on the plus strand (C>T on the coding strand, the complement: SLC46A1 is on the minus strand). VCF-style: chr17-28400682-G-A. GRCh37 (hg19) VCF-style: chr17-26727698-G-A.
Other names: c.1166C>T, p.Thr389Ile (NM_001242366.3); c.*4396G>A (NM_015077.4); short protein forms T389I, T417I.
Identifiers: ClinVar variation 1476153 (VCV001476153.3), dbSNP rs1555589388, ClinGen allele CA398342621.
Genomic context (GRCh38, chr17:28,400,682, plus strand): 5'-GCCGGGATGAGCAGGAGGCCAGCTCCCAGGAGGAAGGGGAACCCCTTCATAAAGTTCAGA[G>A]TGGCTGGGTAGAGTGAGTTGAAGATGCCGGAGGCCGTCAGCATGGCCAGGCTATTCACAC-3'
Protein context (NP_542400.2, residues 407-427): SGIFNSLYPA[Thr417Ile]LNFMKGFPFL